The following is an entry in ClinVar:

NM_201378.4(PLEC):c.71-11710G>A

Gene: PLEC (plectin; minus strand). Cytogenetic location: 8q24.3.
Variant type: single nucleotide variant.
Coding change: c.71-11710G>A on transcript NM_201378.4 (MANE Plus Clinical); 11710 bases into the intron before coding-DNA position 71, G replaced by A.
Molecular consequence: intron variant. On other transcripts: missense variant (1).
Genome position (GRCh38, 1-based): chr8:143,950,402, C>T on the plus strand (G>A on the coding strand, the complement: PLEC is on the minus strand). VCF-style: chr8-143950402-C-T. GRCh37 (hg19) VCF-style: chr8-145024570-C-T.
Other names: c.305G>A, p.Arg102His (NM_201380.4); c.194-11710G>A (NM_001410941.1, NM_000445.5); c.46+3324G>A (NM_201379.3); short protein forms R102H.
Identifiers: ClinVar variation 2658959 (VCV002658959.24), dbSNP rs200335928, ClinGen allele CA4928966.

ClinVar aggregate classification (germline): Likely benign. Review status: criteria provided, multiple submitters, no conflicts (2 of 4 stars). 3 submissions from 3 submitters: Likely benign (2). 1 of the submissions does not count toward it. Last evaluated 2025-07-01.

Conditions:
PLEC-related disorder. Also called: PLEC-related disorders; PLEC-related condition.

Allele frequency attached by ClinVar (database versions not stated): ESP Exome Variant Server 0.00040; 1000 Genomes Project 30x 0.00062.
gnomAD v4.1: 2,179 of 1,605,540 alleles (0.14%); highest among the groups gnomAD compares: Non-Finnish European, 0.071%; 13 homozygotes.

Submissions (3):

CeGaT Center for Human Genetics Tuebingen
Classification: Likely benign. Last evaluated: 2025-07-01. Review status: criteria provided, single submitter. Criteria: CeGaT Center For Human Genetics Tuebingen Variant Classification Criteria Version 2. Collection method: clinical testing. Allele origin: germline. Affected: yes. Observed: 3 variant alleles.
Comment: PLEC: BS2

Blueprint Genetics
Classification: Likely benign. Last evaluated: 2024-11-25. Review status: criteria provided, single submitter. Criteria: ACMG Guidelines, 2015. Collection method: clinical testing. Allele origin: germline.

PreventionGenetics, part of Exact Sciences
Classification: Benign for PLEC-related condition. Last evaluated: 2019-09-05. Review status: no assertion criteria provided. Collection method: clinical testing. Allele origin: germline. Not counted in ClinVar's aggregate classification.
Comment: This variant is classified as benign based on ACMG/AMP sequence variant interpretation guidelines (Richards et al. 2015 PMID: 25741868, with internal and published modifications).